The following is an entry in ClinVar:

ClinVar aggregate classification (germline): Benign (1 of 4 stars; one submission).

Allele frequency attached by ClinVar (database versions not stated): gnomAD exomes 0.16458; gnomAD 0.17755 and 0.18163; TOPMed 0.17944; 1000 Genomes Project 30x 0.23610; 1000 Genomes Project 0.24042.
gnomAD v4.1: 200,115 of 1,195,994 alleles (17%); highest among the groups gnomAD compares: East Asian, 39%; 18,697 homozygotes.

Submission:

GeneDx
Classification: Benign. Last evaluated: 2018-06-14. Review status: criteria provided, single submitter. Criteria: GeneDx Variant Classification (06012015). Collection method: clinical testing. Allele origin: germline. Affected: yes.
Comment: This variant is considered likely benign or benign based on one or more of the following criteria: it is a conservative change, it occurs at a poorly conserved position in the protein, it is predicted to be benign by multiple in silico algorithms, and/or has population frequency not consistent with disease.

NM_032119.4(ADGRV1):c.1839+54C>T

Gene: ADGRV1 (adhesion G protein-coupled receptor V1; plus strand). Cytogenetic location: 5q14.3.
Variant type: single nucleotide variant.
Coding change: c.1839+54C>T on transcript NM_032119.4 (MANE Select); 54 bases into the intron after coding-DNA position 1839, C replaced by T.
Molecular consequence: intron variant.
Genome position (GRCh38, 1-based): chr5:90,629,593, C>T. VCF-style: chr5-90629593-C-T. GRCh37 (hg19) VCF-style: chr5-89925410-C-T.
Identifiers: ClinVar variation 670348 (VCV000670348.1), dbSNP rs56360530, ClinGen allele CA12170725.
Genomic context (GRCh38, chr5:90,629,593, plus strand): 5'-AGTACAGGTACTTGTATGATTAAAATAATCGTAATTTTGGTTAACCTTCAAGTGTACTAA[C>T]CTGTGTGAAAGAATTAACTGAACATTATTTTGACCTTGTTATTTTGCCGTCATTTATATG-3'